The following is an entry in ClinVar:

ClinVar aggregate classification (germline): Uncertain significance. Review status: criteria provided, multiple submitters, no conflicts (2 of 4 stars). 4 submissions from 4 submitters: Uncertain significance (4). Last evaluated 2025-05-21.

Allele frequency attached by ClinVar (database versions not stated): gnomAD exomes below 0.00001.

Submissions (4):

Labcorp Genetics (formerly Invitae), Labcorp
Classification: Uncertain significance. Last evaluated: 2025-05-21. Review status: criteria provided, single submitter. Criteria: Invitae Variant Classification Sherloc (09022015). Collection method: clinical testing. Allele origin: germline.
Comment: This sequence change affects codon 477 of the SLC4A1 mRNA. It is a 'silent' change, meaning that it does not change the encoded amino acid sequence of the SLC4A1 protein. This variant also falls at the last nucleotide of exon 12, which is part of the consensus splice site for this exon. This variant is present in population databases (no rsID available, gnomAD 0.0009%). This variant has not been reported in the literature in individuals affected with SLC4A1-related conditions. ClinVar contains an entry for this variant (Variation ID: 1330636). Variants that disrupt the consensus splice site are a relatively common cause of aberrant splicing (PMID: 17576681, 9536098). Algorithms developed to predict the effect of sequence changes on RNA splicing suggest that this variant may disrupt the consensus splice site. In summary, the available evidence is currently insufficient to determine the role of this variant in disease. Therefore, it has been classified as a Variant of Uncertain Significance.

ARUP Laboratories, Molecular Genetics and Genomics, ARUP Laboratories
Classification: Uncertain significance. Last evaluated: 2025-02-25. Review status: criteria provided, single submitter. Criteria: ARUP Molecular Germline Variant Investigation Process 2024. Collection method: clinical testing. Allele origin: germline.
Comment: The SLC4A1 c.1431G>A, p.Ser477= variant (rs1176855098), to our knowledge, is not reported in the medical literature but is reported in ClinVar (Variation ID: 1330636). This variant is only observed on one allele in the Genome Aggregation Database (v2.1.1), indicating it is not a common polymorphism. This is a synonymous variant and computational analyses (Alamut Visual Plus v.1.12) predict that this variant may impact splicing by weakening the nearby canonical donor splice site. However, given the lack of clinical and functional data, the significance of this variant is uncertain at this time.

Revvity Omics, Revvity
Classification: Uncertain significance. Last evaluated: 2024-07-14. Review status: criteria provided, single submitter. Criteria: ACMG Guidelines, 2015. Collection method: clinical testing. Allele origin: germline.

Blueprint Genetics
Classification: Uncertain significance. Last evaluated: 2020-12-11. Review status: criteria provided, single submitter. Criteria: ACMG Guidelines, 2015. Collection method: clinical testing. Allele origin: germline.

Literature cited by the submitters: PubMed 17576681 (cited by Labcorp Genetics (formerly Invitae), Labcorp); PubMed 9536098 (cited by Labcorp Genetics (formerly Invitae), Labcorp).

NM_000342.4(SLC4A1):c.1431G>A (p.Ser477=)

Gene: SLC4A1 (solute carrier family 4 member 1 (Diego blood group); minus strand). Cytogenetic location: 17q21.31.
Variant type: single nucleotide variant.
Coding change: c.1431G>A on transcript NM_000342.4 (MANE Select); coding-DNA position 1431, G replaced by A.
Protein change: p.Ser477=; no amino-acid change (serine 477 retained).
Molecular consequence: synonymous variant.
Genome position (GRCh38, 1-based): chr17:44,257,659, C>T on the plus strand (G>A on the coding strand, the complement: SLC4A1 is on the minus strand). VCF-style: chr17-44257659-C-T. GRCh37 (hg19) VCF-style: chr17-42335027-C-T.
Identifiers: ClinVar variation 1330636 (VCV001330636.15), dbSNP rs1176855098, ClinGen allele CA500619035.